The following is an entry in ClinVar:

NC_000017.10:g.(?_73974595)_(73975154_?)del

Gene: ACOX1 (acyl-CoA oxidase 1; minus strand). Cytogenetic location: 17q25.1.
Variant type: Deletion.
Identifiers: ClinVar variation 3243038 (VCV003243038.1).

ClinVar aggregate classification (germline): Pathogenic (1 of 4 stars; one submission).

Conditions:
Acyl-CoA oxidase deficiency. Also called: STRAIGHT-CHAIN ACYL-CoA OXIDASE DEFICIENCY; Pseudoneonatal adrenoleukodystrophy; Peroxisomal acyl-CoA oxidase deficiency. Identifiers: Orphanet 2971, MedGen C1849678, MONDO:0009919, OMIM 264470. Disease mechanism: loss of function.

Submission:

Labcorp Genetics (formerly Invitae), Labcorp
Classification: Pathogenic for Acyl-CoA oxidase deficiency. Last evaluated: 2023-10-23. Review status: criteria provided, single submitter. Criteria: Invitae Variant Classification Sherloc (09022015). Collection method: clinical testing. Allele origin: unknown.
Comment: This variant is a gross deletion of the genomic region encompassing exon(s) 1-2 of the ACOX1 gene, which includes the initiator codon. This deletion extends beyond the assayed region for this gene and therefore may encompass additional genes. It is expected to result in an absent or disrupted protein product. Loss-of-function variants in ACOX1 are known to be pathogenic (PMID: 8040306, 17458872). This variant has not been reported in the literature in individuals affected with ACOX1-related conditions. For these reasons, this variant has been classified as Pathogenic.

Literature cited by the submitters: PubMed 8040306; PubMed 17458872.